The following is an entry in ClinVar:

ClinVar aggregate classification (germline): Conflicting classifications of pathogenicity. Review status: criteria provided, conflicting classifications (1 of 4 stars). 2 submissions from 2 submitters: Uncertain significance (1); Likely benign (1). Last evaluated 2026-04-01.

gnomAD v4.1: 207 of 1,614,030 alleles (0.013%); highest among the groups gnomAD compares: Non-Finnish European, 0.016%; no homozygotes.

Submissions (2):

CeGaT Center for Human Genetics Tuebingen
Classification: Likely benign. Last evaluated: 2026-04-01. Review status: criteria provided, single submitter. Criteria: CeGaT Center For Human Genetics Tuebingen Variant Classification Criteria Version 2. Collection method: clinical testing. Allele origin: germline. Affected: yes. Observed: 1 variant allele.
Comment: DACT1: BP4, BS2

Ambry Genetics
Classification: Uncertain significance. Last evaluated: 2024-05-30. Review status: criteria provided, single submitter. Criteria: Ambry Variant Classification Scheme 2023. Collection method: clinical testing. Allele origin: germline.

NM_001079520.2(DACT1):c.925G>A (p.Val309Ile)

Gene: DACT1 (dishevelled binding antagonist of beta catenin 1; plus strand). Cytogenetic location: 14q23.1.
Variant type: single nucleotide variant.
Coding change: c.925G>A on transcript NM_001079520.2 (MANE Select); coding-DNA position 925, G replaced by A.
Protein change: p.Val309Ile; replaces valine 309 with isoleucine.
Molecular consequence: missense variant. On other transcripts: non-coding transcript variant (5).
Genome position (GRCh38, 1-based): chr14:58,645,659, G>A. VCF-style: chr14-58645659-G-A. GRCh37 (hg19) VCF-style: chr14-59112377-G-A.
Other names: c.1036G>A, p.Val346Ile (NM_016651.6); short protein forms V309I, V346I.
Identifiers: ClinVar variation 3270802 (VCV003270802.3).